The following is an entry in ClinVar:

NM_024426.6(WT1):c.310G>A (p.Ala104Thr)

Genes: WT1 (WT1 transcription factor; minus strand), LOC107982234 (WT1/WT1-AS bi-directional promoter region; plus strand). Cytogenetic location: 11p13.
Variant type: single nucleotide variant.
Coding change: c.310G>A on transcript NM_024426.6 (MANE Select); coding-DNA position 310, G replaced by A.
Protein change: p.Ala104Thr; replaces alanine 104 with threonine.
Molecular consequence: missense variant. On other transcripts: non-coding transcript variant (1).
Genome position (GRCh38, 1-based): chr11:32,435,051, C>T on the plus strand (G>A on the coding strand, the complement: WT1 is on the minus strand). VCF-style: chr11-32435051-C-T. GRCh37 (hg19) VCF-style: chr11-32456597-C-T.
Other names: c.310G>A, p.Ala104Thr (NM_000378.6, NM_024424.5); c.295G>A (NM_024426.4); short protein forms A104T.
Identifiers: ClinVar variation 1024462 (VCV001024462.10), dbSNP rs1853461168, ClinGen allele CA379965955.

ClinVar aggregate classification (germline): Uncertain significance. Review status: criteria provided, multiple submitters, no conflicts (2 of 4 stars). 2 submissions from 2 submitters: Uncertain significance (2). Last evaluated 2024-12-12.

Conditions:
Frasier syndrome. Identifiers: Orphanet 347, MedGen C0950122, MeSH D052159, MONDO:0007635, OMIM 136680.
Wilms tumor 1 (WT1). Also called: Wilms tumor, somatic. Identifiers: Orphanet 654, MedGen CN033288, MONDO:0008679, OMIM 194070.
Drash syndrome (DDS). Also called: WILMS TUMOR AND PSEUDO- OR TRUE HERMAPHRODITISM; NEPHROPATHY, WILMS TUMOR, AND GENITAL ANOMALIES. Identifiers: Orphanet 220, MedGen C0950121, MONDO:0008682, OMIM 194080.
11p partial monosomy syndrome (WAGR). Also called: WAGR Complex; CHROMOSOME 11p13 DELETION SYNDROME; WAGR Spectrum Disorder; WAGR syndrome. Identifiers: Orphanet 893, MedGen C0206115, MONDO:0008681, OMIM 194072.
Inborn genetic diseases. Identifiers: MedGen C0950123, MeSH D030342.

Submissions (2):

Ambry Genetics
Classification: Uncertain significance for Inborn genetic diseases. Last evaluated: 2024-12-12. Review status: criteria provided, single submitter. Criteria: Ambry Variant Classification Scheme 2023. Collection method: clinical testing. Allele origin: germline.
Comment: The p.A99T variant (also known as c.295G>A), located in coding exon 1 of the WT1 gene, results from a G to A substitution at nucleotide position 295. The alanine at codon 99 is replaced by threonine, an amino acid with similar properties. This amino acid position is conserved. In addition, this alteration is predicted to be tolerated by in silico analysis. Based on the available evidence, the clinical significance of this variant remains unclear.

Labcorp Genetics (formerly Invitae), Labcorp
Classification: Uncertain significance for Wilms tumor 1; Drash syndrome; 11p partial monosomy syndrome; Frasier syndrome. Last evaluated: 2022-11-01. Review status: criteria provided, single submitter. Criteria: Invitae Variant Classification Sherloc (09022015). Collection method: clinical testing. Allele origin: germline.
Comment: In summary, the available evidence is currently insufficient to determine the role of this variant in disease. Therefore, it has been classified as a Variant of Uncertain Significance. Algorithms developed to predict the effect of missense changes on protein structure and function are either unavailable or do not agree on the potential impact of this missense change (SIFT: "Deleterious"; PolyPhen-2: "Benign"; Align-GVGD: "Class C0"). ClinVar contains an entry for this variant (Variation ID: 1024462). This variant has not been reported in the literature in individuals affected with WT1-related conditions. This variant is not present in population databases (gnomAD no frequency). This sequence change replaces alanine, which is neutral and non-polar, with threonine, which is neutral and polar, at codon 99 of the WT1 protein (p.Ala99Thr).